The following is an entry in ClinVar:

ClinVar aggregate classification (germline): Uncertain significance. Review status: criteria provided, multiple submitters, no conflicts (2 of 4 stars). 2 submissions from 2 submitters: Uncertain significance (2). Last evaluated 2025-11-29.

gnomAD v4.1: 55 of 1,204,794 alleles (0.0046%); highest among the groups gnomAD compares: African/African-American, 0.068%; no homozygotes.

Submissions (2):

Labcorp Genetics (formerly Invitae), Labcorp
Classification: Uncertain significance. Last evaluated: 2025-11-29. Review status: criteria provided, single submitter. Criteria: Invitae Variant Classification Sherloc (09022015). Collection method: clinical testing. Allele origin: germline.
Comment: This sequence change replaces serine, which is neutral and polar, with arginine, which is basic and polar, at codon 337 of the GYG2 protein (p.Ser337Arg). This variant is present in population databases (rs141040522, gnomAD 0.08%), and has an allele count higher than expected for a pathogenic variant. This variant has not been reported in the literature in individuals affected with GYG2-related conditions. ClinVar contains an entry for this variant (Variation ID: 4268138). An algorithm developed to predict the effect of missense changes on protein structure and function outputs the following: PolyPhen-2: "Benign". The arginine amino acid residue is found in multiple mammalian species, which suggests that this missense change does not adversely affect protein function. In summary, the available evidence is currently insufficient to determine the role of this variant in disease. Therefore, it has been classified as a Variant of Uncertain Significance.

Ambry Genetics
Classification: Uncertain significance. Last evaluated: 2025-08-30. Review status: criteria provided, single submitter. Criteria: Ambry Variant Classification Scheme 2023. Collection method: clinical testing. Allele origin: germline.

NM_001079855.2(GYG2):c.918T>A (p.Ser306Arg)

Gene: GYG2 (glycogenin 2; plus strand). Cytogenetic location: Xp22.33.
Variant type: single nucleotide variant.
Coding change: c.918T>A on transcript NM_001079855.2 (MANE Select); coding-DNA position 918, T replaced by A.
Protein change: p.Ser306Arg; replaces serine 306 with arginine.
Molecular consequence: missense variant.
Genome position (GRCh38, 1-based): chrX:2,861,602, T>A. VCF-style: chrX-2861602-T-A. GRCh37 (hg19) VCF-style: chrX-2779643-T-A.
Other names: c.918T>A, p.Ser306Arg (NM_001184702.2); c.1011T>A, p.Ser337Arg (NM_001184703.2, NM_003918.3); c.453T>A, p.Ser151Arg (NM_001184704.2); short protein forms S337R, S151R, S306R.
Identifiers: ClinVar variation 4268138 (VCV004268138.2).